The following is an entry in ClinVar:

ClinVar aggregate classification (germline): Conflicting classifications of pathogenicity. Review status: criteria provided, conflicting classifications (1 of 4 stars). 3 submissions from 3 submitters: Uncertain significance (2); Likely benign (1). Last evaluated 2025-10-06.

Conditions:
Inborn genetic diseases. Identifiers: MedGen C0950123, MeSH D030342.

gnomAD v4.1: 205 of 1,606,260 alleles (0.013%); highest among the groups gnomAD compares: South Asian, 0.22%; 1 homozygote.

Submissions (3):

Mayo Clinic Laboratories, Mayo Clinic
Classification: Likely benign. Last evaluated: 2025-10-06. Review status: criteria provided, single submitter. Criteria: ACMG Guidelines, 2015. Collection method: clinical testing. Allele origin: germline. Observed: 2 variant alleles.
Comment: BS1, BP4_moderate

Ambry Genetics
Classification: Uncertain significance for Inborn genetic diseases. Last evaluated: 2025-04-24. Review status: criteria provided, single submitter. Criteria: Ambry Variant Classification Scheme 2023. Collection method: clinical testing. Allele origin: germline.

CeGaT Center for Human Genetics Tuebingen
Classification: Uncertain significance. Last evaluated: 2024-10-01. Review status: criteria provided, single submitter. Criteria: CeGaT Center For Human Genetics Tuebingen Variant Classification Criteria Version 2. Collection method: clinical testing. Allele origin: germline. Affected: yes. Observed: 1 variant allele.
Comment: NBEAL2: PM2:Supporting, BP4

NM_015175.3(NBEAL2):c.3433G>A (p.Val1145Met)

Gene: NBEAL2 (neurobeachin like 2; plus strand). Cytogenetic location: 3p21.31.
Variant type: single nucleotide variant.
Coding change: c.3433G>A on transcript NM_015175.3 (MANE Select); coding-DNA position 3433, G replaced by A.
Protein change: p.Val1145Met; replaces valine 1145 with methionine.
Molecular consequence: missense variant.
Genome position (GRCh38, 1-based): chr3:46,999,007, G>A. VCF-style: chr3-46999007-G-A. GRCh37 (hg19) VCF-style: chr3-47040497-G-A.
Other names: p.Val1145Met; c.3331G>A, p.Val1111Met (NM_001365116.2); c.3433G>A (NM_015175.1); short protein forms V1111M, V1145M.
Identifiers: ClinVar variation 3388217 (VCV003388217.15).
Genomic context (GRCh38, chr3:46,999,007, plus strand): 5'-CTGCATCCCCAGGCGGTGGGTGCGCTGGACCTGCTGCTGGCCCTGCTGCACGGTTCCCTG[G>A]TGCAGGAGTCCTTGGCTGTCTTTCTGTTGGAGCCAGGGAACCTCGAAGTGCTACTGGCCC-3'
Protein context (NP_055990.1, residues 1135-1155): LLLALLHGSL[Val1145Met]QESLAVFLLE